The following is an entry in ClinVar:

ClinVar aggregate classification (germline): Pathogenic (1 of 4 stars; one submission).

Allele frequency attached by ClinVar (database versions not stated): gnomAD exomes below 0.00001.
gnomAD v4.1: 1 of 1,605,870 alleles (0.000062%); highest among the groups gnomAD compares: Non-Finnish European, 0.000085%; no homozygotes.

Submission:

Labcorp Genetics (formerly Invitae), Labcorp
Classification: Pathogenic. Last evaluated: 2025-05-30. Review status: criteria provided, single submitter. Criteria: Invitae Variant Classification Sherloc (09022015). Collection method: clinical testing. Allele origin: germline.
Comment: This sequence change creates a premature translational stop signal (p.Trp615*) in the ACAN gene. It is expected to result in an absent or disrupted protein product. Loss-of-function variants in ACAN are known to be pathogenic (PMID: 16080123, 24762113). This variant is not present in population databases (gnomAD no frequency). This variant has not been reported in the literature in individuals affected with ACAN-related conditions. ClinVar contains an entry for this variant (Variation ID: 2835502). For these reasons, this variant has been classified as Pathogenic.

Literature cited by the submitters: PubMed 16080123; PubMed 24762113.

NM_001369268.1(ACAN):c.1844G>A (p.Trp615Ter)

Gene: ACAN (aggrecan; plus strand). Cytogenetic location: 15q26.1.
Variant type: single nucleotide variant.
Coding change: c.1844G>A on transcript NM_001369268.1 (MANE Select); coding-DNA position 1844, G replaced by A.
Protein change: p.Trp615Ter; replaces tryptophan 615 with a stop codon.
Molecular consequence: nonsense.
Genome position (GRCh38, 1-based): chr15:88,849,549, G>A. VCF-style: chr15-88849549-G-A. GRCh37 (hg19) VCF-style: chr15-89392780-G-A.
Other names: c.1844G>A, p.Trp615Ter (NM_001135.4, NM_001411096.1, NM_001411097.1 and 1 more transcripts); short protein forms W615*.
Identifiers: ClinVar variation 2835502 (VCV002835502.3), dbSNP rs2505284832, ClinGen allele CA393711737.